The following is an entry in ClinVar:

NM_002539.3(ODC1):c.1281C>T (p.Pro427=)

Gene: ODC1 (ornithine decarboxylase 1; minus strand). Cytogenetic location: 2p25.1.
Variant type: single nucleotide variant.
Coding change: c.1281C>T on transcript NM_002539.3 (MANE Select); coding-DNA position 1281, C replaced by T.
Protein change: p.Pro427=; no amino-acid change (proline 427 retained).
Molecular consequence: synonymous variant.
Genome position (GRCh38, 1-based): chr2:10,440,829, G>A on the plus strand (C>T on the coding strand, the complement: ODC1 is on the minus strand). VCF-style: chr2-10440829-G-A. GRCh37 (hg19) VCF-style: chr2-10580955-G-A.
Other names: c.894C>T, p.Pro298= (NM_001287188.2); c.1281C>T, p.Pro427= (NM_001287189.2, NM_001287190.2).
Identifiers: ClinVar variation 2650670 (VCV002650670.24), dbSNP rs370233699, ClinGen allele CA1526719.

ClinVar aggregate classification (germline): Likely benign (1 of 4 stars; one submission).

Allele frequency attached by ClinVar (database versions not stated): ExAC 0.00007; ESP Exome Variant Server 0.00015; TOPMed 0.00019; gnomAD 0.00021.
gnomAD v4.1: 237 of 1,613,960 alleles (0.015%); highest among the groups gnomAD compares: Admixed American, 0.025%; no homozygotes.

Submission:

CeGaT Center for Human Genetics Tuebingen
Classification: Likely benign. Last evaluated: 2026-05-01. Review status: criteria provided, single submitter. Criteria: CeGaT Center For Human Genetics Tuebingen Variant Classification Criteria Version 2. Collection method: clinical testing. Allele origin: germline. Affected: yes. Observed: 7 variant alleles.
Comment: ODC1: BP4, BP7